The following is an entry in ClinVar:

NM_002439.5(MSH3):c.2110A>T (p.Lys704Ter)

Gene: MSH3 (mutS homolog 3; plus strand). Cytogenetic location: 5q14.1.
Variant type: single nucleotide variant.
Coding change: c.2110A>T on transcript NM_002439.5 (MANE Select); coding-DNA position 2110, A replaced by T.
Protein change: p.Lys704Ter; replaces lysine 704 with a stop codon.
Molecular consequence: nonsense.
Genome position (GRCh38, 1-based): chr5:80,768,860, A>T. VCF-style: chr5-80768860-A-T. GRCh37 (hg19) VCF-style: chr5-80064679-A-T.
Other names: short protein forms K704*.
Identifiers: ClinVar variation 2673561 (VCV002673561.1), dbSNP rs2546774207, ClinGen allele CA360279255.

ClinVar aggregate classification (germline): Pathogenic (1 of 4 stars; one submission).

Conditions:
Familial adenomatous polyposis 4 (FAP4). Also called: MSH3-related attenuated familial adenomatous polyposis. Identifiers: Orphanet 480536, MedGen C4310719, MONDO:0044300, OMIM 617100.

Submission:

Myriad Genetics, Inc.
Classification: Pathogenic for Familial adenomatous polyposis 4. Last evaluated: 2023-08-30. Review status: criteria provided, single submitter. Criteria: Myriad Autosomal Dominant, Autosomal Recessive and X-Linked Classification Criteria (2023). Collection method: clinical testing. Allele origin: unknown.
Comment: This variant is considered pathogenic. This variant creates a termination codon and is predicted to result in premature protein truncation.